The following is an entry in ClinVar:

NM_001621.5(AHR):c.324A>T (p.Glu108Asp)

Gene: AHR (aryl hydrocarbon receptor; plus strand). Cytogenetic location: 7p21.1.
Variant type: single nucleotide variant.
Coding change: c.324A>T on transcript NM_001621.5 (MANE Select); coding-DNA position 324, A replaced by T.
Protein change: p.Glu108Asp; replaces glutamic acid 108 with aspartic acid.
Molecular consequence: missense variant.
Genome position (GRCh38, 1-based): chr7:17,322,571, A>T. VCF-style: chr7-17322571-A-T. GRCh37 (hg19) VCF-style: chr7-17362195-A-T.
Other names: short protein forms E108D.
Identifiers: ClinVar variation 2048182 (VCV002048182.4), dbSNP rs1342081026, ClinGen allele CA366890162.

ClinVar aggregate classification (germline): Uncertain significance (1 of 4 stars; one submission).

Submission:

Labcorp Genetics (formerly Invitae), Labcorp
Classification: Uncertain significance. Last evaluated: 2021-12-19. Review status: criteria provided, single submitter. Criteria: Invitae Variant Classification Sherloc (09022015). Collection method: clinical testing. Allele origin: germline.
Comment: This sequence change replaces glutamic acid, which is acidic and polar, with aspartic acid, which is acidic and polar, at codon 108 of the AHR protein (p.Glu108Asp). This variant is not present in population databases (gnomAD no frequency). This variant has not been reported in the literature in individuals affected with AHR-related conditions. Algorithms developed to predict the effect of missense changes on protein structure and function output the following: SIFT: "Tolerated"; PolyPhen-2: "Benign"; Align-GVGD: "Class C0". The aspartic acid amino acid residue is found in multiple mammalian species, which suggests that this missense change does not adversely affect protein function. In summary, the available evidence is currently insufficient to determine the role of this variant in disease. Therefore, it has been classified as a Variant of Uncertain Significance.